The following is an entry in ClinVar:

NM_153704.6(TMEM67):c.67A>G (p.Thr23Ala)

Gene: TMEM67 (transmembrane protein 67; plus strand). Cytogenetic location: 8q22.1.
Variant type: single nucleotide variant.
Coding change: c.67A>G on transcript NM_153704.6 (MANE Select); coding-DNA position 67, A replaced by G.
Protein change: p.Thr23Ala; replaces threonine 23 with alanine.
Molecular consequence: missense variant. On other transcripts: non-coding transcript variant (1), intron variant (1).
Genome position (GRCh38, 1-based): chr8:93,754,981, A>G. VCF-style: chr8-93754981-A-G. GRCh37 (hg19) VCF-style: chr8-94767209-A-G.
Other names: c.-179-39A>G (NM_001142301.1); short protein forms T23A.
Identifiers: ClinVar variation 1409131 (VCV001409131.7), dbSNP rs2130521457, ClinGen allele CA371685168.

ClinVar aggregate classification (germline): Uncertain significance (1 of 4 stars; one submission).

Conditions:
Joubert syndrome. Also called: CEREBELLOPARENCHYMAL DISORDER IV; JOUBERT-BOLTSHAUSER SYNDROME; Familial aplasia of the vermis. Identifiers: Orphanet 475, MedGen C5979921, MONDO:0018772.
Meckel-Gruber syndrome. Also called: DYSENCEPHALIA SPLANCHNOCYSTICA; GRUBER SYNDROME; Dysencephalia splachnocystica. Identifiers: Orphanet 564, MedGen C0265215, MONDO:0018921.

Allele frequency attached by ClinVar (database versions not stated): gnomAD exomes below 0.00001.
gnomAD v4.1: 1 of 1,614,156 alleles (0.000062%); highest among the groups gnomAD compares: Non-Finnish European, 0.000085%; no homozygotes.

Submission:

Labcorp Genetics (formerly Invitae), Labcorp
Classification: Uncertain significance for Joubert syndrome; Meckel-Gruber syndrome. Last evaluated: 2021-03-29. Review status: criteria provided, single submitter. Criteria: Invitae Variant Classification Sherloc (09022015). Collection method: clinical testing. Allele origin: germline.
Comment: This sequence change replaces threonine with alanine at codon 23 of the TMEM67 protein (p.Thr23Ala). The threonine residue is weakly conserved and there is a small physicochemical difference between threonine and alanine. This variant is not present in population databases (ExAC no frequency). This variant has not been reported in the literature in individuals with TMEM67-related conditions. Advanced modeling of protein sequence and biophysical properties (such as structural, functional, and spatial information, amino acid conservation, physicochemical variation, residue mobility, and thermodynamic stability) performed at Invitae indicates that this missense variant is not expected to disrupt TMEM67 protein function. In summary, the available evidence is currently insufficient to determine the role of this variant in disease. Therefore, it has been classified as a Variant of Uncertain Significance.